The following is an entry in ClinVar:

NM_005235.3(ERBB4):c.1616A>G (p.Tyr539Cys)

Gene: ERBB4 (erb-b2 receptor tyrosine kinase 4; minus strand). Cytogenetic location: 2q34.
Variant type: single nucleotide variant.
Coding change: c.1616A>G on transcript NM_005235.3 (MANE Select); coding-DNA position 1616, A replaced by G.
Protein change: p.Tyr539Cys; replaces tyrosine 539 with cysteine.
Molecular consequence: missense variant.
Genome position (GRCh38, 1-based): chr2:211,679,058, T>C on the plus strand (A>G on the coding strand, the complement: ERBB4 is on the minus strand). VCF-style: chr2-211679058-T-C. GRCh37 (hg19) VCF-style: chr2-212543783-T-C.
Other names: c.1616A>G, p.Tyr539Cys (NM_001042599.2, NM_001439005.1, NM_001439006.1); short protein forms Y539C.
Identifiers: ClinVar variation 4704272 (VCV004704272.1).

ClinVar aggregate classification (germline): Uncertain significance (1 of 4 stars; one submission).

Submission:

Labcorp Genetics (formerly Invitae), Labcorp
Classification: Uncertain significance. Last evaluated: 2025-03-16. Review status: criteria provided, single submitter. Criteria: Invitae Variant Classification Sherloc (09022015). Collection method: clinical testing. Allele origin: germline.
Comment: This sequence change replaces tyrosine, which is neutral and polar, with cysteine, which is neutral and slightly polar, at codon 539 of the ERBB4 protein (p.Tyr539Cys). This variant is present in population databases (no rsID available, gnomAD 0.002%). This variant has not been reported in the literature in individuals affected with ERBB4-related conditions. Invitae Evidence Modeling of protein sequence and biophysical properties (such as structural, functional, and spatial information, amino acid conservation, physicochemical variation, residue mobility, and thermodynamic stability) indicates that this missense variant is not expected to disrupt ERBB4 protein function with a negative predictive value of 80%. In summary, the available evidence is currently insufficient to determine the role of this variant in disease. Therefore, it has been classified as a Variant of Uncertain Significance.